The following is an entry in ClinVar:

NM_000075.4(CDK4):c.-11T>C

Gene: CDK4 (cyclin dependent kinase 4; minus strand). Cytogenetic location: 12q14.1.
Variant type: single nucleotide variant.
Coding change: c.-11T>C on transcript NM_000075.4 (MANE Select); 11 bases upstream of the start codon, T replaced by C.
Molecular consequence: 5 prime UTR variant.
Genome position (GRCh38, 1-based): chr12:57,751,728, A>G on the plus strand (T>C on the coding strand, the complement: CDK4 is on the minus strand). VCF-style: chr12-57751728-A-G. GRCh37 (hg19) VCF-style: chr12-58145511-A-G.
Other names: c.-11T>C (LRG_490t1, NM_000075.3).
Identifiers: ClinVar variation 391019 (VCV000391019.2), dbSNP rs746754426, ClinGen allele CA6657896.

ClinVar aggregate classification (germline): Benign/Likely benign. Review status: criteria provided, multiple submitters, no conflicts (2 of 4 stars). 2 submissions from 2 submitters: Benign (1); Likely benign (1). Last evaluated 2025-02-01.

Conditions:
Melanoma, cutaneous malignant, susceptibility to, 3. Also called: Cutaneous malignant melanoma 3. Identifiers: Orphanet 618, MedGen C1836892, MONDO:0012183, OMIM 609048.

Allele frequency attached by ClinVar (database versions not stated): ExAC 0.00001; gnomAD exomes 0.00001 and 0.00002; TOPMed 0.00009; gnomAD 0.00011.

Submissions (2):

KCCC/NGS Laboratory, Kuwait Cancer Control Center
Classification: Benign for Melanoma, cutaneous malignant, susceptibility to, 3. Last evaluated: 2025-02-01. Review status: criteria provided, single submitter. Criteria: ACMG Guidelines, 2015. Collection method: clinical testing. Allele origin: germline. Affected: no.

GeneDx
Classification: Likely benign. Last evaluated: 2016-11-14. Review status: criteria provided, single submitter. Criteria: GeneDx Variant Classification (06012015). Collection method: clinical testing. Allele origin: germline. Affected: yes.
Comment: This variant is considered likely benign or benign based on one or more of the following criteria: it is a conservative change, it occurs at a poorly conserved position in the protein, it is predicted to be benign by multiple in silico algorithms, and/or has population frequency not consistent with disease.